The following is an entry in ClinVar:

ClinVar aggregate classification (germline): Uncertain significance (1 of 4 stars; one submission).

Submission:

Labcorp Genetics (formerly Invitae), Labcorp
Classification: Uncertain significance. Last evaluated: 2026-01-12. Review status: criteria provided, single submitter. Criteria: Invitae Variant Classification Sherloc (09022015). Collection method: clinical testing. Allele origin: germline.
Comment: This sequence change replaces serine, which is neutral and polar, with cysteine, which is neutral and slightly polar, at codon 247 of the CARD8 protein (p.Ser247Cys). This variant is not present in population databases (gnomAD no frequency). This variant has not been reported in the literature in individuals affected with CARD8-related conditions. An algorithm developed to predict the effect of missense changes on protein structure and function (PolyPhen-2) suggests that this variant is likely to be disruptive. In summary, the available evidence is currently insufficient to determine the role of this variant in disease. Therefore, it has been classified as a Variant of Uncertain Significance.

NM_001184900.3(CARD8):c.890C>G (p.Ser297Cys)

Gene: CARD8 (caspase recruitment domain family member 8; minus strand). Cytogenetic location: 19q13.33.
Variant type: single nucleotide variant.
Coding change: c.890C>G on transcript NM_001184900.3 (MANE Select); coding-DNA position 890, C replaced by G.
Protein change: p.Ser297Cys; replaces serine 297 with cysteine.
Molecular consequence: missense variant. On other transcripts: non-coding transcript variant (4).
Genome position (GRCh38, 1-based): chr19:48,230,583, G>C on the plus strand (C>G on the coding strand, the complement: CARD8 is on the minus strand). VCF-style: chr19-48230583-G-C. GRCh37 (hg19) VCF-style: chr19-48733840-G-C.
Other names: c.740C>G, p.Ser247Cys (NM_001184901.1, NM_001351783.2, NM_001351788.2 and 2 more transcripts); c.890C>G, p.Ser297Cys (NM_001184902.2, NM_001184903.1, NM_001351782.2); c.575C>G, p.Ser192Cys (NM_001351784.2, NM_001351787.2, NM_001351791.2 and 1 more transcripts); c.554C>G, p.Ser185Cys (NM_001351786.2); c.647C>G, p.Ser216Cys (NM_001351790.2); c.572C>G, p.Ser191Cys (NM_001365950.1); short protein forms S185C, S216C, S191C, S192C, S247C, S297C.
Identifiers: ClinVar variation 4734023 (VCV004734023.1).